The following is an entry in ClinVar:

ClinVar aggregate classification (germline): Benign/Likely benign. Review status: criteria provided, multiple submitters, no conflicts (2 of 4 stars). 8 submissions from 8 submitters: Benign (2); Likely benign (5). 1 of the submissions does not count toward it. Last evaluated 2025-12-18.

Conditions:
TSC2-related disorder. Also called: TSC2-Related Disorders; TSC2-related condition.
Hereditary cancer-predisposing syndrome. Also called: Neoplastic Syndromes, Hereditary; Hereditary Cancer Syndrome; Tumor predisposition; Hereditary neoplastic syndrome. Identifiers: Orphanet 140162, MedGen C0027672, MeSH D009386, MONDO:0015356.
Tuberous sclerosis syndrome (TSC). Also called: Tuberous Sclerosis Complex; Tuberous sclerosis. Identifiers: Orphanet 805, MedGen C0041341, MONDO:0001734.
Tuberous sclerosis 2 (TSC2). Identifiers: Orphanet 805, MedGen C1860707, MONDO:0013199, OMIM 613254.

Allele frequency attached by ClinVar (database versions not stated): ExAC 0.00001; gnomAD 0.00001 and 0.00002; TOPMed 0.00001.
gnomAD v4.1: 7 of 1,614,010 alleles (0.00043%); highest among the groups gnomAD compares: Admixed American, 0.01%; no homozygotes.

Submissions (8):

Labcorp Genetics (formerly Invitae), Labcorp
Classification: Likely benign for Tuberous sclerosis 2. Last evaluated: 2025-12-18. Review status: criteria provided, single submitter. Criteria: Invitae Variant Classification Sherloc (09022015). Collection method: clinical testing. Allele origin: germline.

Women's Health and Genetics/Laboratory Corporation of America, LabCorp
Classification: Likely benign. Last evaluated: 2025-06-10. Review status: criteria provided, single submitter. Criteria: LabCorp Variant Classification Summary - May 2015. Collection method: clinical testing. Allele origin: germline.

Myriad Genetics, Inc.
Classification: Benign for Tuberous sclerosis 2. Last evaluated: 2025-05-19. Review status: criteria provided, single submitter. Criteria: Myriad Autosomal Dominant, Autosomal Recessive and X-Linked Classification Criteria (2023). Collection method: clinical testing. Allele origin: unknown.
Comment: This variant is considered benign. This variant is a silent/synonymous amino acid change and it is not expected to impact splicing.

Blueprint Genetics
Classification: Likely benign. Last evaluated: 2024-11-06. Review status: criteria provided, single submitter. Criteria: ACMG Guidelines, 2015. Collection method: clinical testing. Allele origin: germline.

Color Diagnostics, LLC DBA Color Health
Classification: Likely benign for Tuberous sclerosis syndrome. Last evaluated: 2022-09-24. Review status: criteria provided, single submitter. Criteria: ACMG Guidelines, 2015. Collection method: clinical testing. Allele origin: germline.

Genome-Nilou Lab
Classification: Benign for Tuberous sclerosis 2. Last evaluated: 2021-11-07. Review status: criteria provided, single submitter. Criteria: ACMG Guidelines, 2015. Collection method: clinical testing. Allele origin: germline. Affected: no.

Ambry Genetics
Classification: Likely benign for Hereditary cancer-predisposing syndrome. Last evaluated: 2015-05-21. Review status: criteria provided, single submitter. Criteria: Ambry Variant Classification Scheme 2023. Collection method: clinical testing. Allele origin: germline.

PreventionGenetics, part of Exact Sciences
Classification: Likely benign for TSC2-related condition. Last evaluated: 2022-06-20. Review status: no assertion criteria provided. Collection method: clinical testing. Allele origin: germline. Not counted in ClinVar's aggregate classification.
Comment: This variant is classified as likely benign based on ACMG/AMP sequence variant interpretation guidelines (Richards et al. 2015 PMID: 25741868, with internal and published modifications).

NM_000548.5(TSC2):c.2122C>T (p.Leu708=)

Gene: TSC2 (TSC complex subunit 2; plus strand). Cytogenetic location: 16p13.3.
Variant type: single nucleotide variant.
Coding change: c.2122C>T on transcript NM_000548.5 (MANE Select); coding-DNA position 2122, C replaced by T.
Protein change: p.Leu708=; no amino-acid change (leucine 708 retained).
Molecular consequence: synonymous variant.
Genome position (GRCh38, 1-based): chr16:2,072,265, C>T. VCF-style: chr16-2072265-C-T. GRCh37 (hg19) VCF-style: chr16-2122266-C-T.
Other names: c.2122C>T, p.Leu708= (NM_001077183.3, NM_001114382.3, NM_001363528.2 and 3 more transcripts); c.2011C>T, p.Leu671= (NM_001318827.2); c.1975C>T, p.Leu659= (NM_001318829.2); c.1522C>T, p.Leu508= (NM_001318831.2); c.2155C>T, p.Leu719= (NM_001318832.2); c.2122C>T (NM_000548.4).
Identifiers: ClinVar variation 231927 (VCV000231927.23), dbSNP rs778040604, ClinGen allele CA036767.